The following is an entry in ClinVar:

NM_024675.3:c.(3113+1_3114-1)_(3201+1_3202-1)dup

Gene: PALB2 (partner and localizer of BRCA2; minus strand).
Variant type: Duplication.
Identifiers: ClinVar variation 1065552 (VCV001065552.2).

ClinVar aggregate classification (germline): Pathogenic (1 of 4 stars; one submission).

Conditions:
Hereditary cancer-predisposing syndrome. Also called: Hereditary Cancer Syndrome; Hereditary neoplastic syndrome; Neoplastic Syndromes, Hereditary; Tumor predisposition. Identifiers: Orphanet 140162, MedGen C0027672, MeSH D009386, MONDO:0015356.

Submission:

Ambry Genetics
Classification: Pathogenic for Hereditary cancer-predisposing syndrome. Last evaluated: 2018-11-14. Review status: criteria provided, single submitter. Criteria: Ambry Autosomal Dominant and X-Linked criteria (3/2017). Collection method: clinical testing. Allele origin: germline. Observed: 1 variant allele.
Comment: The EX11dup gross duplication spans coding exon 11 in the PALB2 gene; however, the exact breakpoints of the duplication may not have been determined. This alteration has been identified in multiple, unrelated probands as a tandem duplication (Ambry internal data). RNA studies have demonstrated that this alteration results in abnormal splicing in the set of samples tested (Ambry internal data). Based on the supporting evidence, this alteration is interpreted as a disease-causing mutation.